The following is an entry in ClinVar:

ClinVar aggregate classification (germline): Pathogenic (1 of 4 stars; one submission).

Conditions:
Brachyolmia-amelogenesis imperfecta syndrome. Also called: Tooth agenesis, selective, 6; Dental anomalies and short stature; PLATYSPONDYLY WITH AMELOGENESIS IMPERFECTA. Identifiers: Orphanet 2899, MedGen C1832594, MONDO:0011018, OMIM 601216. Disease mechanism: loss of function.

Allele frequency attached by ClinVar (database versions not stated): TOPMed below 0.00001.

Submission:

Labcorp Genetics (formerly Invitae), Labcorp
Classification: Pathogenic for Brachyolmia-amelogenesis imperfecta syndrome. Last evaluated: 2024-01-10. Review status: criteria provided, single submitter. Criteria: Invitae Variant Classification Sherloc (09022015). Collection method: clinical testing. Allele origin: germline.
Comment: This sequence change creates a premature translational stop signal (p.Asn1053Lysfs*24) in the LTBP3 gene. It is expected to result in an absent or disrupted protein product. Loss-of-function variants in LTBP3 are known to be pathogenic (PMID: 11790802, 19344874, 25669657). This variant is not present in population databases (gnomAD no frequency). This variant has not been reported in the literature in individuals affected with LTBP3-related conditions. For these reasons, this variant has been classified as Pathogenic.

Literature cited by the submitters: PubMed 11790802; PubMed 19344874; PubMed 25669657.

NM_001130144.3(LTBP3):c.3159del (p.Asn1053fs)

Genes: LTBP3 (latent transforming growth factor beta binding protein 3; minus strand), LOC121832793 (Sharpr-MPRA regulatory region 4001; plus strand). Cytogenetic location: 11q13.1.
Variant type: Deletion.
Coding change: c.3159del on transcript NM_001130144.3 (MANE Select); coding-DNA position 3159, one base deleted (C; older notation c.3159delC).
Protein change: p.Asn1053fs; shifts the reading frame from asparagine 1053.
Molecular consequence: frameshift variant.
Genome position (GRCh38, 1-based): chr11:65,540,330, G deleted on the plus strand (C on the coding strand, the reverse complement: LTBP3 is on the minus strand). VCF-style (leftmost placement, unchanged base first): chr11-65540329-TG-T. GRCh37 (hg19) VCF-style: chr11-65307800-TG-T.
Other names: c.2808del, p.Asn936fs (NM_001164266.1); c.3159del, p.Asn1053fs (NM_021070.4); short protein forms N936fs, N1053fs.
Identifiers: ClinVar variation 2993997 (VCV002993997.3), dbSNP rs1856044450, ClinGen allele CA1979275008.